The following is an entry in ClinVar:

ClinVar aggregate classification (germline): Uncertain significance. Review status: criteria provided, multiple submitters, no conflicts (2 of 4 stars). 2 submissions from 2 submitters: Uncertain significance (2). Last evaluated 2025-12-19.

Conditions:
Rhabdoid tumor predisposition syndrome 2 (RTPS2). Identifiers: Orphanet 231108, Orphanet 69077, MedGen C2750074, MONDO:0013224, OMIM 613325.
Hereditary cancer-predisposing syndrome. Also called: Hereditary Cancer Syndrome; Neoplastic Syndromes, Hereditary; Tumor predisposition; Hereditary neoplastic syndrome. Identifiers: Orphanet 140162, MedGen C0027672, MeSH D009386, MONDO:0015356.

Allele frequency attached by ClinVar (database versions not stated): gnomAD exomes below 0.00001; TOPMed 0.00001.
gnomAD v4.1: 1 of 1,613,878 alleles (0.000062%); highest among the groups gnomAD compares: East Asian, 0.0022%; no homozygotes.

Submissions (2):

Ambry Genetics
Classification: Uncertain significance for Hereditary cancer-predisposing syndrome. Last evaluated: 2025-12-19. Review status: criteria provided, single submitter. Criteria: Ambry Variant Classification Scheme 2023. Collection method: clinical testing. Allele origin: germline.
Comment: The p.P108L variant (also known as c.323C>T), located in coding exon 2 of the SMARCA4 gene, results from a C to T substitution at nucleotide position 323. The proline at codon 108 is replaced by leucine, an amino acid with similar properties. This amino acid position is highly conserved in available vertebrate species. In addition, the in silico prediction for this alteration is inconclusive. Missense and in-frame variants in SMARCA4 are known to cause neurodevelopmental disorders; however, such associations with rhabdoid tumor predisposition syndrome including small cell carcinoma of the ovary-hypercalcemic type (SCCOHT) are exceedingly rare (Kosho T et al. Am J Med Genet C Semin Med Genet. 2014 Sep;166C(3):262-75; Jelinic P et al. Nat Genet. 2014 May;46(5):424-6). Based on the available evidence, the clinical significance of this variant remains unclear.

Labcorp Genetics (formerly Invitae), Labcorp
Classification: Uncertain significance for Rhabdoid tumor predisposition syndrome 2. Last evaluated: 2025-04-10. Review status: criteria provided, single submitter. Criteria: Invitae Variant Classification Sherloc (09022015). Collection method: clinical testing. Allele origin: germline.
Comment: This sequence change replaces proline, which is neutral and non-polar, with leucine, which is neutral and non-polar, at codon 108 of the SMARCA4 protein (p.Pro108Leu). This variant is not present in population databases (gnomAD no frequency). This variant has not been reported in the literature in individuals affected with SMARCA4-related conditions. ClinVar contains an entry for this variant (Variation ID: 1024213). Invitae Evidence Modeling of protein sequence and biophysical properties (such as structural, functional, and spatial information, amino acid conservation, physicochemical variation, residue mobility, and thermodynamic stability) has been performed for this missense variant. However, the output from this modeling did not meet the statistical confidence thresholds required to predict the impact of this variant on SMARCA4 protein function. In summary, the available evidence is currently insufficient to determine the role of this variant in disease. Therefore, it has been classified as a Variant of Uncertain Significance.

NM_003072.5(SMARCA4):c.323C>T (p.Pro108Leu)

Gene: SMARCA4 (SWI/SNF related BAF chromatin remodeling complex subunit ATPase 4; plus strand). Cytogenetic location: 19p13.2.
Variant type: single nucleotide variant.
Coding change: c.323C>T on transcript NM_003072.5 (MANE Select); coding-DNA position 323, C replaced by T.
Protein change: p.Pro108Leu; replaces proline 108 with leucine.
Molecular consequence: missense variant. On other transcripts: non-coding transcript variant (1).
Genome position (GRCh38, 1-based): chr19:10,985,373, C>T. VCF-style: chr19-10985373-C-T. GRCh37 (hg19) VCF-style: chr19-11096049-C-T.
Other names: c.323C>T, p.Pro108Leu (NM_001128844.3, NM_001128845.2, NM_001128846.2 and 4 more transcripts); short protein forms P108L.
Identifiers: ClinVar variation 1024213 (VCV001024213.12), dbSNP rs1198747280, ClinGen allele CA404055294.